The following is an entry in ClinVar:

NM_004333.6(BRAF):c.78G>T (p.Glu26Asp)

Gene: BRAF (B-Raf proto-oncogene, serine/threonine kinase; minus strand). Cytogenetic location: 7q34.
Variant type: single nucleotide variant.
Coding change: c.78G>T on transcript NM_004333.6 (MANE Select); coding-DNA position 78, G replaced by T.
Protein change: p.Glu26Asp; replaces glutamic acid 26 with aspartic acid.
Molecular consequence: missense variant.
Genome position (GRCh38, 1-based): chr7:140,924,626, C>A on the plus strand (G>T on the coding strand, the complement: BRAF is on the minus strand). VCF-style: chr7-140924626-C-A. GRCh37 (hg19) VCF-style: chr7-140624426-C-A.
Other names: p.E26D:GAG>GAT; c.78G>T, p.Glu26Asp (NM_001354609.2, NM_001374244.1, NM_001374258.1 and 7 more transcripts); short protein forms E26D.
Identifiers: ClinVar variation 40337 (VCV000040337.57), dbSNP rs371877084, ClinGen allele CA135143.

ClinVar aggregate classification (germline): Benign/Likely benign. Review status: criteria provided, multiple submitters, no conflicts (2 of 4 stars). 22 submissions from 21 submitters: Benign (13); Likely benign (4). 5 of the submissions do not count toward it. Last evaluated 2026-02-03.

Conditions:
Noonan syndrome and Noonan-related syndrome. Identifiers: Orphanet 98733, MedGen C5681679, MONDO:0020297.
Cardiovascular phenotype. Identifiers: MedGen CN230736.
RASopathy. Also called: rasopathies; Noonan spectrum disorder. Identifiers: Orphanet 536391, MedGen C5555857, MONDO:0021060.
LEOPARD syndrome 3 (LPRD3). Identifiers: Orphanet 500, MedGen C3150971, MONDO:0013380, OMIM 613707.
Noonan syndrome 7 (NS7). Also called: BRAF-Related Noonan Syndrome. Identifiers: Orphanet 648, MedGen C3150970, MONDO:0013379, OMIM 613706.
Noonan syndrome (NS). Also called: Noonan's syndrome. Identifiers: Orphanet 648, MedGen C0028326, MeSH D009634, MONDO:0018997. Disease mechanism: gain of function.
Cardiofaciocutaneous syndrome 1 (CFC1). Also called: BRAF-Related Cardiofaciocutaneous Syndrome. Identifiers: Orphanet 1340, MedGen CN029449, MONDO:0007265, OMIM 115150. Disease mechanism: gain of function.

Allele frequency attached by ClinVar (database versions not stated): ESP Exome Variant Server 0.00494; 1000 Genomes Project 0.00919; 1000 Genomes Project 30x 0.00937; gnomAD 0.01016 and 0.01088; TOPMed 0.01134.
gnomAD v4.1: 2,863 of 1,519,096 alleles (0.19%); highest among the groups gnomAD compares: African/African-American, 3.5%; 50 homozygotes.

Submissions (22):

Labcorp Genetics (formerly Invitae), Labcorp
Classification: Benign for RASopathy. Last evaluated: 2026-02-03. Review status: criteria provided, single submitter. Criteria: Invitae Variant Classification Sherloc (09022015). Collection method: clinical testing. Allele origin: germline.

ARUP Laboratories, Molecular Genetics and Genomics, ARUP Laboratories
Classification: Benign. Last evaluated: 2025-05-14. Review status: criteria provided, single submitter. Criteria: ARUP Molecular Germline Variant Investigation Process 2024. Collection method: clinical testing. Allele origin: germline.

CeGaT Center for Human Genetics Tuebingen
Classification: Benign. Last evaluated: 2025-03-01. Review status: criteria provided, single submitter. Criteria: CeGaT Center For Human Genetics Tuebingen Variant Classification Criteria Version 2. Collection method: clinical testing. Allele origin: germline. Affected: yes. Observed: 1 variant allele.
Comment: BRAF: BS1, BS2

Blueprint Genetics
Classification: Likely benign. Last evaluated: 2024-11-13. Review status: criteria provided, single submitter. Criteria: ACMG Guidelines, 2015. Collection method: clinical testing. Allele origin: germline.

Genome Diagnostics Laboratory, The Hospital for Sick Children
Classification: Benign for Noonan syndrome and Noonan-related syndrome. Last evaluated: 2021-03-30. Review status: criteria provided, single submitter. Criteria: ACMG Guidelines, 2015. Collection method: clinical testing. Allele origin: germline.

Ambry Genetics
Classification: Benign for Cardiovascular phenotype. Last evaluated: 2019-11-20. Review status: criteria provided, single submitter. Criteria: Ambry Variant Classification Scheme 2023. Collection method: clinical testing. Allele origin: germline.

Genetic Services Laboratory, University of Chicago
Classification: Benign. Last evaluated: 2018-06-05. Review status: criteria provided, single submitter. Criteria: ACMG Guidelines, 2015. Collection method: clinical testing. Allele origin: germline. Affected: no.

Illumina Laboratory Services, Illumina
Classification: Benign for LEOPARD syndrome 3. Last evaluated: 2018-01-13. Review status: criteria provided, single submitter. Criteria: ICSL Variant Classification Criteria 13 December 2019. Collection method: clinical testing. Allele origin: germline.
Comment: This variant was observed in the ICSL laboratory as part of a predisposition screen in an ostensibly healthy population. It had not been previously curated by ICSL or reported in the Human Gene Mutation Database (HGMD: prior to June 1st, 2018), and was therefore a candidate for classification through an automated scoring system. Utilizing variant allele frequency, disease prevalence and penetrance estimates, and inheritance mode, an automated score was calculated to assess if this variant is too frequent to cause the disease. Based on the score and internal cut-off values, a variant classified as benign is not then subjected to further curation. The score for this variant resulted in a classification of benign for this disease.

Illumina Laboratory Services, Illumina
Classification: Likely benign for Noonan syndrome 7. Last evaluated: 2018-01-13. Review status: criteria provided, single submitter. Criteria: ICSL Variant Classification Criteria 13 December 2019. Collection method: clinical testing. Allele origin: germline.
Comment: This variant was observed in the ICSL laboratory as part of a predisposition screen in an ostensibly healthy population. It had not been previously curated by ICSL or reported in the Human Gene Mutation Database (HGMD: prior to June 1st, 2018), and was therefore a candidate for classification through an automated scoring system. Utilizing variant allele frequency, disease prevalence and penetrance estimates, and inheritance mode, an automated score was calculated to assess if this variant is too frequent to cause the disease. Based on the score and internal cut-off values, a variant classified as likely benign is not then subjected to further curation. The score for this variant resulted in a classification of likely benign for this disease.

Laboratory for Molecular Medicine, Mass General Brigham Personalized Medicine
Classification: Benign. Last evaluated: 2017-03-28. Review status: criteria provided, single submitter. Criteria: LMM Criteria. Collection method: clinical testing. Allele origin: germline. Observed: 17 variant alleles.
Comment: p.Glu26Asp in exon 1 of BRAF: This variant is not expected to have clinical sign ificance because it has been identified in 1.7% (26/1496) of African American ch romosomes from a large population study by the NHLBI Exome Sequencing Project (dbSNP rs371877084).

Center for Human Genetics, Inc
Classification: Benign for Cardiofaciocutaneous syndrome 1. Last evaluated: 2016-11-01. Review status: criteria provided, single submitter. Criteria: ACMG Guidelines, 2015. Collection method: clinical testing. Allele origin: germline. Affected: yes.

Mayo Clinic Laboratories, Mayo Clinic
Classification: Benign. Last evaluated: 2016-10-06. Review status: criteria provided, single submitter. Criteria: ACMG Guidelines, 2015. Collection method: clinical testing. Allele origin: germline. Observed: 18 variant alleles.

Eurofins Ntd Llc (ga)
Classification: Benign. Last evaluated: 2016-04-20. Review status: criteria provided, single submitter. Criteria: EGL Classification Definitions 2015. Collection method: clinical testing. Allele origin: germline. Observed: 5 variant alleles, 5 heterozygotes.

Center for Pediatric Genomic Medicine, Children's Mercy Hospital and Clinics
Classification: Likely benign. Last evaluated: 2015-10-28. Review status: criteria provided, single submitter. Criteria: ACMG Guidelines, 2015. Collection method: clinical testing. Allele origin: germline.
ClinVar note: Converted during submission from Likely Benign to Likely benign.

GeneDx
Classification: Benign for Rasopathy. Last evaluated: 2012-01-10. Review status: criteria provided, single submitter. Criteria: GeneDx Variant Classification (06012015). Collection method: clinical testing. Allele origin: germline. Affected: yes.
Comment: The variant is found in NOONAN panel(s).

Breakthrough Genomics
Classification: Likely benign. Review status: criteria provided, single submitter. Criteria: ACMG Guidelines, 2015. Collection method: not provided. Allele origin: germline. Inheritance: Autosomal dominant inheritance. Affected: yes.

PreventionGenetics, part of Exact Sciences
Classification: Benign. Review status: criteria provided, single submitter. Criteria: ACMG Guidelines, 2015. Collection method: clinical testing. Allele origin: germline.

ITMI
No classification provided. Condition: AllHighlyPenetrant. Last evaluated: 2013-09-19. Review status: no classification provided. Collection method: reference population. Allele origin: germline. Not counted in ClinVar's aggregate classification.
Comment: Please see associated publication for description of ethnicities

Clinical Genetics, Academic Medical Center
Classification: Benign. Review status: no assertion criteria provided. Collection method: clinical testing. Allele origin: germline. Affected: yes. Study: VKGL Data-share Consensus. Not counted in ClinVar's aggregate classification.

Joint Genome Diagnostic Labs from Nijmegen and Maastricht, Radboudumc and MUMC+
Classification: Benign. Review status: no assertion criteria provided. Collection method: clinical testing. Allele origin: germline. Affected: yes. Study: VKGL Data-share Consensus. Not counted in ClinVar's aggregate classification.

Laboratory of Diagnostic Genome Analysis, Leiden University Medical Center (LUMC)
Classification: Likely benign. Review status: no assertion criteria provided. Collection method: clinical testing. Allele origin: germline. Affected: yes. Study: VKGL Data-share Consensus. Not counted in ClinVar's aggregate classification.

Service de Génétique Moléculaire, Hôpital Robert Debré
Classification: Likely benign for Noonan syndrome. Review status: no assertion criteria provided. Collection method: clinical testing. Allele origin: unknown. Affected: yes. Observed: 1 variant allele. Not counted in ClinVar's aggregate classification.

Literature cited by the submitters: PubMed 24728327 (cited by Ambry Genetics and ITMI).